The following is an entry in ClinVar:

NM_001033046.4(CYBC1):c.433G>C (p.Gly145Arg)

Gene: CYBC1 (cytochrome b-245 chaperone 1; minus strand). Cytogenetic location: 17q25.3.
Variant type: single nucleotide variant.
Coding change: c.433G>C on transcript NM_001033046.4 (MANE Select); coding-DNA position 433, G replaced by C.
Protein change: p.Gly145Arg; replaces glycine 145 with arginine.
Molecular consequence: missense variant. On other transcripts: non-coding transcript variant (4).
Genome position (GRCh38, 1-based): chr17:82,444,457, C>G on the plus strand (G>C on the coding strand, the complement: CYBC1 is on the minus strand). VCF-style: chr17-82444457-C-G. GRCh37 (hg19) VCF-style: chr17-80402333-C-G.
Other names: c.433G>C, p.Gly145Arg (NM_001100407.3, NM_001193653.2, NM_001193654.2 and 2 more transcripts); c.391G>C, p.Gly131Arg (NM_001100408.3); short protein forms G145R, G131R.
Identifiers: ClinVar variation 1920677 (VCV001920677.2), dbSNP rs773343112, ClinGen allele CA8858205.

ClinVar aggregate classification (germline): Uncertain significance (1 of 4 stars; one submission).

Allele frequency attached by ClinVar (database versions not stated): ExAC 0.00001; gnomAD 0.00001; TOPMed 0.00003.
gnomAD v4.1: 21 of 1,609,022 alleles (0.0013%); highest among the groups gnomAD compares: Non-Finnish European, 0.0017%; no homozygotes.

Submission:

Labcorp Genetics (formerly Invitae), Labcorp
Classification: Uncertain significance. Last evaluated: 2022-03-16. Review status: criteria provided, single submitter. Criteria: Invitae Variant Classification Sherloc (09022015). Collection method: clinical testing. Allele origin: germline.
Comment: This sequence change replaces glycine, which is neutral and non-polar, with arginine, which is basic and polar, at codon 145 of the C17orf62 protein (p.Gly145Arg). This variant is present in population databases (rs773343112, gnomAD 0.002%). This variant has not been reported in the literature in individuals affected with C17orf62-related conditions. Algorithms developed to predict the effect of missense changes on protein structure and function (SIFT, PolyPhen-2, Align-GVGD) all suggest that this variant is likely to be disruptive. In summary, the available evidence is currently insufficient to determine the role of this variant in disease. Therefore, it has been classified as a Variant of Uncertain Significance.